The following is an entry in ClinVar:

NM_014365.3(HSPB8):c.317A>G (p.Lys106Arg)

Gene: HSPB8 (heat shock protein family B (small) member 8; plus strand). Cytogenetic location: 12q24.23.
Variant type: single nucleotide variant.
Coding change: c.317A>G on transcript NM_014365.3 (MANE Select); coding-DNA position 317, A replaced by G.
Protein change: p.Lys106Arg; replaces lysine 106 with arginine.
Molecular consequence: missense variant.
Genome position (GRCh38, 1-based): chr12:119,179,629, A>G. VCF-style: chr12-119179629-A-G. GRCh37 (hg19) VCF-style: chr12-119617434-A-G.
Other names: short protein forms K106R.
Identifiers: ClinVar variation 2145889 (VCV002145889.4), dbSNP rs906998876, ClinGen allele CA244335003.
Genomic context (GRCh38, chr12:119,179,629, plus strand): 5'-GGACCCCCCCACCCTTCCCTGGGGAGCCCTGGAAAGTGTGTGTGAATGTGCACAGCTTCA[A>G]GCCAGAGGAGTTGATGGTGAAGACCAAAGATGGATACGTGGAGGTGTCTGGTAAGTCAGG-3'
Protein context (NP_055180.1, residues 96-116): WKVCVNVHSF[Lys106Arg]PEELMVKTKD

ClinVar aggregate classification (germline): Uncertain significance (1 of 4 stars; one submission).

Conditions:
Charcot-Marie-Tooth disease axonal type 2L. Also called: Charcot-Marie-Tooth Neuropathy Type 2L; CHARCOT-MARIE-TOOTH DISEASE, AXONAL, AUTOSOMAL DOMINANT, TYPE 2L; CHARCOT-MARIE-TOOTH NEUROPATHY, AXONAL, TYPE 2L. Identifiers: Orphanet 99945, MedGen C1837552, MONDO:0012096, OMIM 608673.

Allele frequency attached by ClinVar (database versions not stated): gnomAD exomes below 0.00001; gnomAD 0.00001; TOPMed 0.00001.
gnomAD v4.1: 4 of 1,597,676 alleles (0.00025%); highest among the groups gnomAD compares: African/African-American, 0.0013%; no homozygotes.

Submission:

Labcorp Genetics (formerly Invitae), Labcorp
Classification: Uncertain significance for Charcot-Marie-Tooth disease axonal type 2L. Last evaluated: 2022-11-28. Review status: criteria provided, single submitter. Criteria: Invitae Variant Classification Sherloc (09022015). Collection method: clinical testing. Allele origin: germline.
Comment: This sequence change replaces lysine, which is basic and polar, with arginine, which is basic and polar, at codon 106 of the HSPB8 protein (p.Lys106Arg). This variant is not present in population databases (gnomAD no frequency). This variant has not been reported in the literature in individuals affected with HSPB8-related conditions. Algorithms developed to predict the effect of missense changes on protein structure and function are either unavailable or do not agree on the potential impact of this missense change (SIFT: "Tolerated"; PolyPhen-2: "Possibly Damaging"; Align-GVGD: "Class C0"). In summary, the available evidence is currently insufficient to determine the role of this variant in disease. Therefore, it has been classified as a Variant of Uncertain Significance.